The following is an entry in ClinVar:

ClinVar aggregate classification (germline): Uncertain significance (1 of 4 stars; one submission).

Conditions:
Familial focal epilepsy with variable foci (FPEVF). Identifiers: Orphanet 98820, MedGen C1858477, MONDO:0020310.

Allele frequency attached by ClinVar (database versions not stated): gnomAD exomes 0.00001.
gnomAD v4.1: 23 of 1,607,810 alleles (0.0014%); highest among the groups gnomAD compares: Non-Finnish European, 0.0015%; no homozygotes.

Submission:

Labcorp Genetics (formerly Invitae), Labcorp
Classification: Uncertain significance for Familial focal epilepsy with variable foci. Last evaluated: 2025-04-29. Review status: criteria provided, single submitter. Criteria: Invitae Variant Classification Sherloc (09022015). Collection method: clinical testing. Allele origin: germline.
Comment: This sequence change replaces glutamine, which is neutral and polar, with glutamic acid, which is acidic and polar, at codon 1057 of the DEPDC5 protein (p.Gln1057Glu). This variant is not present in population databases (gnomAD no frequency). This missense change has been observed in individual(s) with clinical features of DEPDC5-related conditions (internal data). ClinVar contains an entry for this variant (Variation ID: 665582). Experimental studies and prediction algorithms are not available or were not evaluated, and the functional significance of this variant is currently unknown. In summary, the available evidence is currently insufficient to determine the role of this variant in disease. Therefore, it has been classified as a Variant of Uncertain Significance.

NM_001242896.3(DEPDC5):c.3169C>G (p.Gln1057Glu)

Gene: DEPDC5 (DEP domain containing 5, GATOR1 subcomplex subunit; plus strand). Cytogenetic location: 22q12.3.
Variant type: single nucleotide variant.
Coding change: c.3169C>G on transcript NM_001242896.3 (MANE Select); coding-DNA position 3169, C replaced by G.
Protein change: p.Gln1057Glu; replaces glutamine 1057 with glutamic acid.
Molecular consequence: missense variant. On other transcripts: non-coding transcript variant (5).
Genome position (GRCh38, 1-based): chr22:31,857,458, C>G. VCF-style: chr22-31857458-C-G. GRCh37 (hg19) VCF-style: chr22-32253444-C-G.
Other names: c.3142C>G, p.Gln1048Glu (NM_001136029.4, NM_001369903.1, NM_014662.6); c.2935C>G, p.Gln979Glu (NM_001242897.2, NM_001363854.2, NM_001364319.2); c.3169C>G, p.Gln1057Glu (NM_001363852.2, NM_001364318.2, NM_001364320.2); c.3085C>G, p.Gln1029Glu (NM_001369901.1, NM_001369902.1); short protein forms Q1057E, Q1048E, Q979E, Q1029E.
Identifiers: ClinVar variation 665582 (VCV000665582.10), dbSNP rs1602471069, ClinGen allele CA411293706.